The following is an entry in ClinVar:

NM_145290.4(ADGRA3):c.1897C>G (p.Leu633Val)

Gene: ADGRA3 (adhesion G protein-coupled receptor A3; minus strand). Cytogenetic location: 4p15.2.
Variant type: single nucleotide variant.
Coding change: c.1897C>G on transcript NM_145290.4 (MANE Select); coding-DNA position 1897, C replaced by G.
Protein change: p.Leu633Val; replaces leucine 633 with valine.
Molecular consequence: missense variant.
Genome position (GRCh38, 1-based): chr4:22,413,727, G>C on the plus strand (C>G on the coding strand, the complement: ADGRA3 is on the minus strand). VCF-style: chr4-22413727-G-C. GRCh37 (hg19) VCF-style: chr4-22415350-G-C.
Other names: short protein forms L633V.
Identifiers: ClinVar variation 1490756 (VCV001490756.8), dbSNP rs1342011699, ClinGen allele CA356480206.
Genomic context (GRCh38, chr4:22,413,727, plus strand): 5'-AATTTCCAGTGGCTGGAAAAAGCTTTCCATTGCGGAATGCAATGAGTTGAAGCTTGTAAA[G>C]AGAGTCATCAGTTGGTCTGAGTTCTCTTTTTTGCTTTGGTGAGAAAAGGGAAGGAGGAAG-3'
Protein context (NP_660333.2, residues 623-643): KRELRPTDDS[Leu633Val]YKLQLIAFRN

ClinVar aggregate classification (germline): Uncertain significance (1 of 4 stars; one submission).

gnomAD v4.1: 2 of 1,613,918 alleles (0.00012%); highest among the groups gnomAD compares: South Asian, 0.0011%; no homozygotes.

Submission:

Labcorp Genetics (formerly Invitae), Labcorp
Classification: Uncertain significance. Last evaluated: 2020-12-03. Review status: criteria provided, single submitter. Criteria: Invitae Variant Classification Sherloc (09022015). Collection method: clinical testing. Allele origin: germline.
Comment: In summary, the available evidence is currently insufficient to determine the role of this variant in disease. Therefore, it has been classified as a Variant of Uncertain Significance. Algorithms developed to predict the effect of missense changes on protein structure and function output the following: SIFT: "Tolerated"; PolyPhen-2: "Benign"; Align-GVGD: "Class C0". The valine amino acid residue is found in multiple mammalian species, suggesting that this missense change does not adversely affect protein function. These predictions have not been confirmed by published functional studies and their clinical significance is uncertain. This variant has not been reported in the literature in individuals with ADGRA3-related conditions. This variant is not present in population databases (ExAC no frequency). This sequence change replaces leucine with valine at codon 633 of the ADGRA3 protein (p.Leu633Val). The leucine residue is moderately conserved and there is a small physicochemical difference between leucine and valine.